The following is an entry in ClinVar:

ClinVar aggregate classification (germline): Uncertain significance (1 of 4 stars; one submission).

Conditions:
Predisposition to Wilms tumor.

Submission:

St. Jude Molecular Pathology, St. Jude Children's Research Hospital
Classification: Uncertain significance for Predisposition to Wilms tumor. Last evaluated: 2025-06-17. Review status: criteria provided, single submitter. Criteria: St. Jude Assertion Criteria 2020. Collection method: clinical testing. Allele origin: germline.
Comment: The CTR9 c.2950C>T p.(Arg984Ter) change is a nonsense variant that is predicted to cause premature protein truncation or absence of protein due to nonsense-mediated decay. However, loss of function is not a well-established mechanism of disease in CTR9. This variant is absent in gnomAD v2.1.1. To our knowledge, this variant has not been reported in individuals with CTR9- associated conditions. In summary, the evidence currently available is insufficient to determine the clinical significance of this variant. It has therefore been classified as of uncertain significance.

NM_014633.5(CTR9):c.2950C>T (p.Arg984Ter)

Gene: CTR9 (CTR9 component of Paf1/RNA polymerase II complex; plus strand). Cytogenetic location: 11p15.4.
Variant type: single nucleotide variant.
Coding change: c.2950C>T on transcript NM_014633.5 (MANE Select); coding-DNA position 2950, C replaced by T.
Protein change: p.Arg984Ter; replaces arginine 984 with a stop codon.
Molecular consequence: nonsense.
Genome position (GRCh38, 1-based): chr11:10,775,271, C>T. VCF-style: chr11-10775271-C-T. GRCh37 (hg19) VCF-style: chr11-10796818-C-T.
Other names: c.2878C>T, p.Arg960Ter (NM_001346279.2); short protein forms R984*, R960*.
Identifiers: ClinVar variation 4056106 (VCV004056106.2).